The following is an entry in ClinVar:

ClinVar aggregate classification (germline): Uncertain significance. Review status: criteria provided, multiple submitters, no conflicts (2 of 4 stars). 2 submissions from 2 submitters: Uncertain significance (2). Last evaluated 2025-12-23.

Conditions:
Autoimmune lymphoproliferative syndrome type 1. Also called: AUTOIMMUNE LYMPHOPROLIFERATIVE SYNDROME, TYPE I, AUTOSOMAL DOMINANT. Identifiers: Orphanet 3261, MedGen C2717884, MONDO:0011158, OMIM 601859.
FAS-related disorder. Also called: FAS-related condition.

Allele frequency attached by ClinVar (database versions not stated): gnomAD exomes 0.00002 and 0.00005; gnomAD 0.00003; TOPMed 0.00003; ExAC 0.00008; 1000 Genomes Project 30x 0.00016; 1000 Genomes Project 0.00020.
gnomAD v4.1: 31 of 1,613,996 alleles (0.0019%); highest among the groups gnomAD compares: Admixed American, 0.0083%; no homozygotes.

Submissions (2):

Labcorp Genetics (formerly Invitae), Labcorp
Classification: Uncertain significance for Autoimmune lymphoproliferative syndrome. Last evaluated: 2025-12-23. Review status: criteria provided, single submitter. Criteria: Invitae Variant Classification Sherloc (09022015). Collection method: clinical testing. Allele origin: germline.
Comment: This sequence change replaces valine, which is neutral and non-polar, with methionine, which is neutral and non-polar, at codon 83 of the FAS protein (p.Val83Met). This variant is present in population databases (rs199790261, gnomAD 0.01%). This variant has not been reported in the literature in individuals affected with FAS-related conditions. ClinVar contains an entry for this variant (Variation ID: 1001817). Invitae Evidence Modeling of protein sequence and biophysical properties (such as structural, functional, and spatial information, amino acid conservation, physicochemical variation, residue mobility, and thermodynamic stability) has been performed for this missense variant. However, the output from this modeling did not meet the statistical confidence thresholds required to predict the impact of this variant on FAS protein function. In summary, the available evidence is currently insufficient to determine the role of this variant in disease. Therefore, it has been classified as a Variant of Uncertain Significance.

PreventionGenetics, part of Exact Sciences
Classification: Uncertain significance for FAS-related condition. Last evaluated: 2025-01-06. Review status: criteria provided, single submitter. Criteria: ACMG Guidelines, 2015. Collection method: clinical testing. Allele origin: germline.
Comment: The FAS c.247G>A variant is predicted to result in the amino acid substitution p.Val83Met. To our knowledge, this variant has not been reported in the literature. This variant is reported in 0.016% of alleles in individuals of East Asian descent in gnomAD. At this time, the clinical significance of this variant is uncertain due to the absence of conclusive functional and genetic evidence.

NM_000043.6(FAS):c.247G>A (p.Val83Met)

Gene: FAS (Fas cell surface death receptor; plus strand). Cytogenetic location: 10q23.31.
Variant type: single nucleotide variant.
Coding change: c.247G>A on transcript NM_000043.6 (MANE Select); coding-DNA position 247, G replaced by A.
Protein change: p.Val83Met; replaces valine 83 with methionine.
Molecular consequence: missense variant. On other transcripts: non-coding transcript variant (4).
Genome position (GRCh38, 1-based): chr10:89,007,750, G>A. VCF-style: chr10-89007750-G-A. GRCh37 (hg19) VCF-style: chr10-90767507-G-A.
Other names: c.247G>A (NM_000043.5); c.247G>A, p.Val83Met (NM_001320619.2, NM_152871.4, NM_152872.4); short protein forms V83M.
Identifiers: ClinVar variation 1001817 (VCV001001817.8), dbSNP rs199790261, ClinGen allele CA5593071.
Genomic context (GRCh38, chr10:89,007,750, plus strand): 5'-CCTTGGGCAGGTGAAAGGAAAGCTAGGGACTGCACAGTCAATGGGGATGAACCAGACTGC[G>A]TGCCCTGCCAAGAAGGGAAGGAGTACACAGACAAAGCCCATTTTTCTTCCAAATGCAGAA-3'
Protein context (NP_000034.1, residues 73-93): CTVNGDEPDC[Val83Met]PCQEGKEYTD